The following is an entry in ClinVar:

NM_144999.4(LRRC45):c.-10C>T

Gene: LRRC45 (leucine rich repeat containing 45; plus strand). Cytogenetic location: 17q25.3.
Variant type: single nucleotide variant.
Coding change: c.-10C>T on transcript NM_144999.4 (MANE Select); 10 bases upstream of the start codon, C replaced by T.
Molecular consequence: 5 prime UTR variant.
Genome position (GRCh38, 1-based): chr17:82,023,634, C>T. VCF-style: chr17-82023634-C-T. GRCh37 (hg19) VCF-style: chr17-79981510-C-T.
Identifiers: ClinVar variation 4991921 (VCV004991921.1).

ClinVar aggregate classification (germline): Likely benign (1 of 4 stars; one submission).

Conditions:
LRRC45-related disorder. Also called: LRRC45-related condition.

Submission:

PreventionGenetics, part of Exact Sciences
Classification: Likely benign for LRRC45-related condition. Last evaluated: 2026-07-28. Review status: criteria provided, single submitter. Criteria: ACMG Guidelines, 2015. Collection method: clinical testing. Allele origin: germline.
Comment: This variant is classified as likely benign based on ACMG/AMP sequence variant interpretation guidelines (Richards et al. 2015 PMID: 25741868, with internal and published modifications).